The following is an entry in ClinVar:

NM_004304.5(ALK):c.1012A>C (p.Met338Leu)

Gene: ALK (ALK receptor tyrosine kinase; minus strand). Cytogenetic location: 2p23.2.
Variant type: single nucleotide variant.
Coding change: c.1012A>C on transcript NM_004304.5 (MANE Select); coding-DNA position 1012, A replaced by C.
Protein change: p.Met338Leu; replaces methionine 338 with leucine.
Molecular consequence: missense variant.
Genome position (GRCh38, 1-based): chr2:29,532,057, T>G on the plus strand (A>C on the coding strand, the complement: ALK is on the minus strand). VCF-style: chr2-29532057-T-G. GRCh37 (hg19) VCF-style: chr2-29754923-T-G.
Other names: short protein forms M338L.
Identifiers: ClinVar variation 4890831 (VCV004890831.1).

ClinVar aggregate classification (germline): Uncertain significance (1 of 4 stars; one submission).

Conditions:
Neuroblastoma, susceptibility to, 3. Also called: ALK-Related Neuroblastic Tumor Susceptibility. Identifiers: Orphanet 635, MedGen C2751681, MONDO:0013083, OMIM 613014.

Submission:

Helix
Classification: Uncertain significance for Neuroblastoma, susceptibility to, 3. Last evaluated: 2026-01-20. Review status: criteria provided, single submitter. Criteria: ACMG Guidelines, 2015. Collection method: clinical testing. Allele origin: germline. Inheritance: Autosomal dominant inheritance.
Comment: This variant (NM_004304.5:c.1012A>C p.Met338Leu) results in the substitution of methionine with leucine at codon 338 in the ALK protein. It is a rare variant that is absent from the large gnomAD population database (v4.1). To our knowledge, this variant has not been reported in individuals with ALK-related conditions in the published literature. In silico prediction from REVEL (PMID: 27666373) suggests that this variant may be benign. In conclusion, since the available evidence is limited, the clinical significance of this variant is unclear at this time. Therefore, it is classified as a Variant of Uncertain Significance.